The following is an entry in ClinVar:

NM_004260.4(RECQL4):c.3334del (p.Glu1112fs)

Gene: RECQL4 (RecQ like helicase 4; minus strand). Cytogenetic location: 8q24.3.
Variant type: Deletion.
Coding change: c.3334del on transcript NM_004260.4 (MANE Select); coding-DNA position 3334, one base deleted (G; older notation c.3334delG).
Protein change: p.Glu1112fs; shifts the reading frame from glutamic acid 1112.
Molecular consequence: frameshift variant.
Genome position (GRCh38, 1-based): chr8:144,511,970, C deleted on the plus strand (G on the coding strand, the reverse complement: RECQL4 is on the minus strand); the first of 2 consecutive C bases (chr8:144,511,970-144,511,971); deleting either gives the same sequence. VCF-style (leftmost placement, unchanged base first): chr8-144511969-TC-T. GRCh37 (hg19) VCF-style: chr8-145737352-TC-T.
Other names: c.3039delG, p.Glu1014Lysfs (NM_001413017.1); c.3135delG, p.Glu1046Lysfs (NM_001413018.1); c.3408delG, p.Glu1137Lysfs (NM_001413019.1); c.3237delG, p.Glu1080Lysfs (NM_001413020.1); c.2262delG, p.Glu755Lysfs (NM_001413021.1, NM_001413022.1, NM_001413024.1 and 4 more transcripts); c.2337delG, p.Glu780Lysfs (NM_001413023.1); c.3204delG, p.Glu1069Lysfs (NM_001413025.1); c.2196delG, p.Glu733Lysfs (NM_001413027.1, NM_001413030.1, NM_001413032.1); and 9 more; short protein forms E1112fs.
Identifiers: ClinVar variation 2109805 (VCV002109805.4), dbSNP rs2537971729, ClinGen allele CA2580078781.

ClinVar aggregate classification (germline): Pathogenic (1 of 4 stars; one submission).

Conditions:
Baller-Gerold syndrome (BGS). Also called: CRANIOSYNOSTOSIS WITH RADIAL DEFECTS. Identifiers: Orphanet 1225, MedGen C0265308, MONDO:0009039, OMIM 218600.

Submission:

Labcorp Genetics (formerly Invitae), Labcorp
Classification: Pathogenic for Baller-Gerold syndrome. Last evaluated: 2022-03-12. Review status: criteria provided, single submitter. Criteria: Invitae Variant Classification Sherloc (09022015). Collection method: clinical testing. Allele origin: germline.
Comment: For these reasons, this variant has been classified as Pathogenic. This variant has not been reported in the literature in individuals affected with RECQL4-related conditions. This variant is not present in population databases (gnomAD no frequency). This variant is a gross deletion of the genomic region encompassing exon(s) 19 of the RECQL4 gene. This deletion is out-of-frame, and is expected to create a premature termination codon and result in an absent or disrupted protein product. Loss-of-function variants in RECQL4 are known to be pathogenic (PMID: 12734318, 12952869).

Literature cited by the submitters: PubMed 12734318; PubMed 12952869.